The following is an entry in ClinVar:

ClinVar aggregate classification (germline): Pathogenic. Review status: criteria provided, single submitter (1 of 4 stars). 3 submissions from 3 submitters: Pathogenic (1). 2 of the submissions do not count toward it. Last evaluated 2023-08-15.

Conditions:
Jeune thoracic dystrophy. Also called: Jeune syndrome; Infantile thoracic dystrophy; Thoracic pelvic phalangeal dystrophy; Jeune's syndrome; Chondroectodermal dysplasia-like syndrome; Short-rib thoracic dysplasia. Identifiers: Orphanet 474, MedGen C0265275, MONDO:0018770.

Allele frequency attached by ClinVar (database versions not stated): gnomAD exomes below 0.00001.
gnomAD v4.1: 2 of 1,613,266 alleles (0.00012%); highest among the groups gnomAD compares: Non-Finnish European, 0.00017%; no homozygotes.

Submissions (3):

GeneDx
Classification: Pathogenic. Last evaluated: 2023-08-15. Review status: criteria provided, single submitter. Criteria: GeneDx Variant Classification Process June 2021. Collection method: clinical testing. Allele origin: germline. Affected: yes.
Comment: Not observed at significant frequency in large population cohorts (gnomAD); In silico analysis supports that this missense variant has a deleterious effect on protein structure/function; This variant is associated with the following publications: (PMID: 29134781, 29068549, 33421337, 34421506, 32804427, 28332779)

Dan Cohn Lab, University Of California Los Angeles
Classification: Pathogenic for Asphyxiating thoracic dystrophy. Last evaluated: 2017-06-01. Review status: no assertion criteria provided. Collection method: research. Allele origin: paternal. Affected: yes. Not counted in ClinVar's aggregate classification.

University of Washington Center for Mendelian Genomics, University of Washington
Classification: Likely pathogenic for asphyxiating thoracic dystrophy. Review status: no assertion criteria provided. Collection method: research. Allele origin: inherited. Affected: yes. Not counted in ClinVar's aggregate classification.

Literature cited by the submitters: PubMed 29068549 (cited by Dan Cohn Lab, University Of California Los Angeles and University of Washington Center for Mendelian Genomics, University of Washington).

NM_020779.4(WDR35):c.2489A>T (p.Asp830Val)

Gene: WDR35 (WD repeat domain 35; minus strand). Cytogenetic location: 2p24.1.
Variant type: single nucleotide variant.
Coding change: c.2489A>T on transcript NM_020779.4 (MANE Select); coding-DNA position 2489, A replaced by T.
Protein change: p.Asp830Val; replaces aspartic acid 830 with valine.
Molecular consequence: missense variant.
Genome position (GRCh38, 1-based): chr2:19,935,529, T>A on the plus strand (A>T on the coding strand, the complement: WDR35 is on the minus strand). VCF-style: chr2-19935529-T-A. GRCh37 (hg19) VCF-style: chr2-20135290-T-A.
Other names: c.2522A>T, p.Asp841Val (NM_001006657.2); short protein forms D841V, D830V.
Identifiers: ClinVar variation 446645 (VCV000446645.3), dbSNP rs1553316926, ClinGen allele CA345942957.